The following is an entry in ClinVar:

ClinVar aggregate classification (germline): Uncertain significance. Review status: criteria provided, multiple submitters, no conflicts (2 of 4 stars). 3 submissions from 3 submitters: Uncertain significance (3). Last evaluated 2024-07-22.

Conditions:
Inborn genetic diseases. Identifiers: MedGen C0950123, MeSH D030342.
Charcot-Marie-Tooth disease type 4. Also called: Charcot-Marie-Tooth, Type 4; Charcot-Marie-Tooth disease, type IV. Identifiers: Orphanet 64749, MedGen C4082197, MONDO:0018995.

Allele frequency attached by ClinVar (database versions not stated): ExAC 0.00005; gnomAD 0.00007; ESP Exome Variant Server 0.00008; TOPMed 0.00008.
gnomAD v4.1: 84 of 1,614,014 alleles (0.0052%); highest among the groups gnomAD compares: Middle Eastern, 0.016%; 1 homozygote.

Submissions (3):

Ambry Genetics
Classification: Uncertain significance for Inborn genetic diseases. Last evaluated: 2024-07-22. Review status: criteria provided, single submitter. Criteria: Ambry Variant Classification Scheme 2023. Collection method: clinical testing. Allele origin: germline.

Labcorp Genetics (formerly Invitae), Labcorp
Classification: Uncertain significance for Charcot-Marie-Tooth disease type 4. Last evaluated: 2022-08-09. Review status: criteria provided, single submitter. Criteria: Invitae Variant Classification Sherloc (09022015). Collection method: clinical testing. Allele origin: germline.
Comment: This sequence change replaces arginine, which is basic and polar, with histidine, which is basic and polar, at codon 1032 of the SH3TC2 protein (p.Arg1032His). This variant is present in population databases (rs372839905, gnomAD 0.01%). This variant has not been reported in the literature in individuals affected with SH3TC2-related conditions. ClinVar contains an entry for this variant (Variation ID: 194267). Algorithms developed to predict the effect of missense changes on protein structure and function (SIFT, PolyPhen-2, Align-GVGD) all suggest that this variant is likely to be disruptive. In summary, the available evidence is currently insufficient to determine the role of this variant in disease. Therefore, it has been classified as a Variant of Uncertain Significance.

Eurofins Ntd Llc (ga)
Classification: Uncertain significance. Last evaluated: 2014-11-23. Review status: criteria provided, single submitter. Criteria: EGL Classification Definitions 2015. Collection method: clinical testing. Allele origin: germline. Observed: 2 variant alleles, 2 heterozygotes.

NM_024577.4(SH3TC2):c.3095G>A (p.Arg1032His)

Gene: SH3TC2 (SH3 domain and tetratricopeptide repeats 2; minus strand). Cytogenetic location: 5q32.
Variant type: single nucleotide variant.
Coding change: c.3095G>A on transcript NM_024577.4 (MANE Select); coding-DNA position 3095, G replaced by A.
Protein change: p.Arg1032His; replaces arginine 1032 with histidine.
Molecular consequence: missense variant.
Genome position (GRCh38, 1-based): chr5:149,012,693, C>T on the plus strand (G>A on the coding strand, the complement: SH3TC2 is on the minus strand). VCF-style: chr5-149012693-C-T. GRCh37 (hg19) VCF-style: chr5-148392256-C-T.
Other names: short protein forms R1032H.
Identifiers: ClinVar variation 194267 (VCV000194267.12), dbSNP rs372839905, ClinGen allele CA240146.